The following is an entry in ClinVar:

NM_005529.7(HSPG2):c.11648C>G (p.Ser3883Trp)

Gene: HSPG2 (heparan sulfate proteoglycan 2; minus strand). Cytogenetic location: 1p36.12.
Variant type: single nucleotide variant.
Coding change: c.11648C>G on transcript NM_005529.7 (MANE Select); coding-DNA position 11648, C replaced by G.
Protein change: p.Ser3883Trp; replaces serine 3883 with tryptophan.
Molecular consequence: missense variant.
Genome position (GRCh38, 1-based): chr1:21,831,005, G>C on the plus strand (C>G on the coding strand, the complement: HSPG2 is on the minus strand). VCF-style: chr1-21831005-G-C. GRCh37 (hg19) VCF-style: chr1-22157498-G-C.
Other names: c.11651C>G, p.Ser3884Trp (NM_001291860.2); short protein forms S3883W, S3884W.
Identifiers: ClinVar variation 295715 (VCV000295715.37), dbSNP rs138145234, ClinGen allele CA669700.

ClinVar aggregate classification (germline): Uncertain significance. Review status: criteria provided, multiple submitters, no conflicts (2 of 4 stars). 5 submissions from 4 submitters: Uncertain significance (5). Last evaluated 2024-02-12.

Conditions:
Lethal Kniest-like syndrome (DDSH). Also called: Dyssegmental Dysplasia. Identifiers: Orphanet 1865, MedGen C1857100, MONDO:0009140, OMIM 224410.
Schwartz-Jampel syndrome type 1 (SJS1). Also called: MYOTONIC MYOPATHY, DWARFISM, CHONDRODYSTROPHY, AND OCULAR AND FACIAL ABNORMALITIES; CHONDRODYSTROPHIC MYOTONIA. Identifiers: MedGen C4551479, MONDO:0100435, OMIM 255800.
Schwartz-Jampel syndrome. Also called: Myotonic myopathy dwarfism chondrodystrophy and ocular and facial abnormalities. Identifiers: Orphanet 800, MedGen C0036391, MONDO:0009717.

Allele frequency attached by ClinVar (database versions not stated): TOPMed 0.00005; ESP Exome Variant Server 0.00015.
gnomAD v4.1: 43 of 1,586,582 alleles (0.0027%); highest among the groups gnomAD compares: Admixed American, 0.0018%; no homozygotes.

Submissions (5):

Labcorp Genetics (formerly Invitae), Labcorp
Classification: Uncertain significance. Last evaluated: 2024-02-12. Review status: criteria provided, single submitter. Criteria: Invitae Variant Classification Sherloc (09022015). Collection method: clinical testing. Allele origin: germline.
Comment: This sequence change replaces serine, which is neutral and polar, with tryptophan, which is neutral and slightly polar, at codon 3883 of the HSPG2 protein (p.Ser3883Trp). This variant is present in population databases (rs138145234, gnomAD 0.2%). This variant has not been reported in the literature in individuals affected with HSPG2-related conditions. ClinVar contains an entry for this variant (Variation ID: 295715). An algorithm developed to predict the effect of missense changes on protein structure and function (PolyPhen-2) suggests that this variant is likely to be disruptive. In summary, the available evidence is currently insufficient to determine the role of this variant in disease. Therefore, it has been classified as a Variant of Uncertain Significance.

CeGaT Center for Human Genetics Tuebingen
Classification: Uncertain significance. Last evaluated: 2023-09-01. Review status: criteria provided, single submitter. Criteria: CeGaT Center For Human Genetics Tuebingen Variant Classification Criteria Version 2. Collection method: clinical testing. Allele origin: germline. Affected: yes. Observed: 1 variant allele.
Comment: HSPG2: PM2, PP3

Department of Pathology and Laboratory Medicine, Sinai Health System
Classification: Uncertain significance for Lethal Kniest-like syndrome; Schwartz-Jampel syndrome type 1. Last evaluated: 2021-07-30. Review status: criteria provided, single submitter. Criteria: ACMG Guidelines, 2015. Collection method: research. Allele origin: germline.

Illumina Laboratory Services, Illumina
Classification: Uncertain significance for Schwartz-Jampel syndrome type 1. Last evaluated: 2018-01-12. Review status: criteria provided, single submitter. Criteria: ICSL Variant Classification Criteria 13 December 2019. Collection method: clinical testing. Allele origin: germline.

Illumina Laboratory Services, Illumina
Classification: Uncertain significance for Lethal Kniest-like syndrome. Last evaluated: 2018-01-12. Review status: criteria provided, single submitter. Criteria: ICSL Variant Classification Criteria 13 December 2019. Collection method: clinical testing. Allele origin: germline.